The following is an entry in ClinVar:

ClinVar aggregate classification (germline): Uncertain significance (1 of 4 stars; one submission).

Allele frequency attached by ClinVar (database versions not stated): gnomAD 0.00001 and 0.00003; gnomAD exomes 0.00001 and 0.00004; TOPMed 0.00001; ExAC 0.00002.
gnomAD v4.1: 28 of 1,614,124 alleles (0.0017%); highest among the groups gnomAD compares: East Asian, 0.051%; no homozygotes.

Submission:

Labcorp Genetics (formerly Invitae), Labcorp
Classification: Uncertain significance. Last evaluated: 2023-11-27. Review status: criteria provided, single submitter. Criteria: Invitae Variant Classification Sherloc (09022015). Collection method: clinical testing. Allele origin: germline.
Comment: This sequence change replaces alanine, which is neutral and non-polar, with valine, which is neutral and non-polar, at codon 586 of the ROR2 protein (p.Ala586Val). This variant is present in population databases (rs763556461, gnomAD 0.06%). This variant has not been reported in the literature in individuals affected with ROR2-related conditions. ClinVar contains an entry for this variant (Variation ID: 1363045). Advanced modeling of protein sequence and biophysical properties (such as structural, functional, and spatial information, amino acid conservation, physicochemical variation, residue mobility, and thermodynamic stability) performed at Invitae indicates that this missense variant is not expected to disrupt ROR2 protein function with a negative predictive value of 80%. In summary, the available evidence is currently insufficient to determine the role of this variant in disease. Therefore, it has been classified as a Variant of Uncertain Significance.

NM_004560.4(ROR2):c.1757C>T (p.Ala586Val)

Gene: ROR2 (receptor tyrosine kinase like orphan receptor 2; minus strand). Cytogenetic location: 9q22.31.
Variant type: single nucleotide variant.
Coding change: c.1757C>T on transcript NM_004560.4 (MANE Select); coding-DNA position 1757, C replaced by T.
Protein change: p.Ala586Val; replaces alanine 586 with valine.
Molecular consequence: missense variant.
Genome position (GRCh38, 1-based): chr9:91,724,737, G>A on the plus strand (C>T on the coding strand, the complement: ROR2 is on the minus strand). VCF-style: chr9-91724737-G-A. GRCh37 (hg19) VCF-style: chr9-94487019-G-A.
Other names: short protein forms A586V.
Identifiers: ClinVar variation 1363045 (VCV001363045.8), dbSNP rs763556461, ClinGen allele CA5120579.